The following is an entry in ClinVar:

ClinVar aggregate classification (germline): Uncertain significance (1 of 4 stars; one submission).

gnomAD v4.1: 19 of 1,536,072 alleles (0.0012%); highest among the groups gnomAD compares: African/African-American, 0.0041%; no homozygotes.

Submission:

Labcorp Genetics (formerly Invitae), Labcorp
Classification: Uncertain significance. Last evaluated: 2024-02-14. Review status: criteria provided, single submitter. Criteria: Invitae Variant Classification Sherloc (09022015). Collection method: clinical testing. Allele origin: germline.
Comment: The FMN1 gene has multiple clinically relevant transcripts. This variant occurs in alternate transcript NM_001277314.1, and corresponds to NM_001103184.3:c.-86172G>A in the primary transcript. This sequence change replaces glycine, which is neutral and non-polar, with arginine, which is basic and polar, at codon 287 of the FMN1 protein (p.Gly287Arg). This variant is present in population databases (rs113208818, gnomAD 0.004%). This variant has not been reported in the literature in individuals affected with FMN1-related conditions. Experimental studies and prediction algorithms are not available or were not evaluated, and the functional significance of this variant is currently unknown. In summary, the available evidence is currently insufficient to determine the role of this variant in disease. Therefore, it has been classified as a Variant of Uncertain Significance.

NM_001277313.2(FMN1):c.859G>A (p.Gly287Arg)

Gene: FMN1 (formin 1; minus strand). Cytogenetic location: 15q13.3.
Variant type: single nucleotide variant.
Coding change: c.859G>A on transcript NM_001277313.2 (MANE Select); coding-DNA position 859, G replaced by A.
Protein change: p.Gly287Arg; replaces glycine 287 with arginine.
Molecular consequence: missense variant.
Genome position (GRCh38, 1-based): chr15:33,154,056, C>T on the plus strand (G>A on the coding strand, the complement: FMN1 is on the minus strand). VCF-style: chr15-33154056-C-T. GRCh37 (hg19) VCF-style: chr15-33446257-C-T.
Other names: c.859G>A, p.Gly287Arg (NM_001277314.2); short protein forms G287R.
Identifiers: ClinVar variation 3609497 (VCV003609497.2).